The following is an entry in ClinVar:

NM_001276345.2(TNNT2):c.459G>A (p.Glu153=)

Gene: TNNT2 (troponin T2, cardiac type; minus strand). Cytogenetic location: 1q32.1.
Variant type: single nucleotide variant.
Coding change: c.459G>A on transcript NM_001276345.2 (MANE Select); coding-DNA position 459, G replaced by A.
Protein change: p.Glu153=; no amino-acid change (glutamic acid 153 retained).
Molecular consequence: synonymous variant.
Genome position (GRCh38, 1-based): chr1:201,364,328, C>T on the plus strand (G>A on the coding strand, the complement: TNNT2 is on the minus strand). VCF-style: chr1-201364328-C-T. GRCh37 (hg19) VCF-style: chr1-201333456-C-T.
Other names: c.459G>A, p.Glu153= (NM_000364.4); c.429G>A, p.Glu143= (NM_001001430.3, NM_001001431.3, NM_001276347.2); c.414G>A, p.Glu138= (NM_001001432.3); c.339G>A, p.Glu113= (NM_001276346.2).
Identifiers: ClinVar variation 469523 (VCV000469523.13), dbSNP rs775274966, ClinGen allele CA089009.
Genomic context (GRCh38, chr1:201,364,328, plus strand): 5'-CTCCATGGGCCTGGGCTAGGGGTCACTCACAGCCAGGCGGTTCTGCCGCTCCTTCTCCCG[C>T]TCATTCCGGATGCGCTGCTGCTCGGCCCGCTCTGCCCGACGTCTCTCCTAAGGAGAAGAG-3'
Protein context (NP_001263274.1, residues 143-163): ERAEQQRIRN[Glu153=]REKERQNRLA

ClinVar aggregate classification (germline): Likely benign. Review status: criteria provided, multiple submitters, no conflicts (2 of 4 stars). 7 submissions from 5 submitters: Likely benign (7). Last evaluated 2025-12-29.

Conditions:
Cardiomyopathy, familial restrictive, 3. Identifiers: Orphanet 75249, MedGen C2676271, MONDO:0012900, OMIM 612422.
Cardiovascular phenotype. Identifiers: MedGen CN230736.
Hypertrophic cardiomyopathy 2. Also called: TNNT2-Related Familial Hypertrophic Cardiomyopathy. Identifiers: MedGen C1861864, MONDO:0007266, OMIM 115195.
Dilated cardiomyopathy 1D. Identifiers: Orphanet 154, Orphanet 54260, MedGen C1832243, MONDO:0011095, OMIM 601494.
Cardiomyopathy (CMYO). Also called: Cardiomyopathies. Identifiers: Orphanet 167848, MedGen C0878544, MONDO:0004994, HP:0001638. Inheritance: Various modes of inheritance.

Allele frequency attached by ClinVar (database versions not stated): gnomAD exomes below 0.00001 and 0.00001; TOPMed 0.00002; ExAC 0.00003.
gnomAD v4.1: 8 of 1,613,374 alleles (0.0005%); highest among the groups gnomAD compares: Admixed American, 0.005%; no homozygotes.

Submissions (7):

Labcorp Genetics (formerly Invitae), Labcorp
Classification: Likely benign for Cardiomyopathy, familial restrictive, 3; Hypertrophic cardiomyopathy 2; Dilated cardiomyopathy 1D. Last evaluated: 2025-12-29. Review status: criteria provided, single submitter. Criteria: Invitae Variant Classification Sherloc (09022015). Collection method: clinical testing. Allele origin: germline.

Ambry Genetics
Classification: Likely benign for Cardiovascular phenotype. Last evaluated: 2024-12-05. Review status: criteria provided, single submitter. Criteria: Ambry Variant Classification Scheme 2023. Collection method: clinical testing. Allele origin: germline.

All of Us Research Program, National Institutes of Health
Classification: Likely benign for Cardiomyopathy. Last evaluated: 2024-03-05. Review status: criteria provided, single submitter. Criteria: ACMG Guidelines, 2015. Collection method: clinical testing. Allele origin: germline. Inheritance: Autosomal dominant inheritance. Observed: 2 variant alleles, 2 heterozygotes.
Comment: This study involves interpretation of variants in research participants for the purpose of population health screening. Participant phenotype was not available at the time of variant classification. Additional details can be found in publication PMID: 35346344, PMCID: PMC8962531

Genome-Nilou Lab
Classification: Likely benign for Dilated cardiomyopathy 1D. Last evaluated: 2023-04-11. Review status: criteria provided, single submitter. Criteria: ACMG Guidelines, 2015. Collection method: clinical testing. Allele origin: germline. Affected: no.

Genome-Nilou Lab
Classification: Likely benign for Cardiomyopathy, familial restrictive, 3. Last evaluated: 2023-04-11. Review status: criteria provided, single submitter. Criteria: ACMG Guidelines, 2015. Collection method: clinical testing. Allele origin: germline. Affected: no.

Genome-Nilou Lab
Classification: Likely benign for Hypertrophic cardiomyopathy 2. Last evaluated: 2023-04-11. Review status: criteria provided, single submitter. Criteria: ACMG Guidelines, 2015. Collection method: clinical testing. Allele origin: germline. Affected: no.

Color Diagnostics, LLC DBA Color Health
Classification: Likely benign for Cardiomyopathy. Last evaluated: 2020-11-17. Review status: criteria provided, single submitter. Criteria: ACMG Guidelines, 2015. Collection method: clinical testing. Allele origin: germline.